The following is an entry in ClinVar:

ClinVar aggregate classification (germline): Likely benign (1 of 4 stars; one submission).

Conditions:
DSPP-related disorder. Also called: DSPP-related condition.

Submission:

PreventionGenetics, part of Exact Sciences
Classification: Likely benign for DSPP-related condition. Last evaluated: 2025-06-24. Review status: criteria provided, single submitter. Criteria: ACMG Guidelines, 2015. Collection method: clinical testing. Allele origin: germline.
Comment: This variant is classified as likely benign based on ACMG/AMP sequence variant interpretation guidelines (Richards et al. 2015 PMID: 25741868, with internal and published modifications).

NM_014208.3(DSPP):c.3852CAGTGA[2] (p.1284DS[2])

Genes: DMP1-AS1 (DMP1 and DSPP antisense RNA 1; minus strand), DSPP (dentin sialophosphoprotein; plus strand). Cytogenetic location: 4q22.1.
Variant type: Microsatellite.
Coding change: c.3852CAGTGA[2] on transcript NM_014208.3 (MANE Select); two copies in a row of the 6-base unit CAGTGA starting at c.3852; the reference has three copies in a row; one copy, 6 bases deleted.
Protein change: p.1284DS[2].
Molecular consequence: inframe deletion.
Genome position (GRCh38, 1-based): chr4:87,616,526-87,616,531, CAGTGA deleted; deleting any 6 consecutive bases within chr4:87,616,509-87,616,531 gives the same sequence; the position shown is the placement nearest the transcript's 3' end. VCF-style (leftmost placement, unchanged base first): chr4-87616508-AAGTGAC-A. GRCh37 (hg19) VCF-style: chr4-88537660-AAGTGAC-A.
Other names: c.3864_3869del6 (NM_014208.3).
Identifiers: ClinVar variation 4981263 (VCV004981263.1).
Genomic context (GRCh38, chr4:87,616,508, plus strand): 5'-ATCTGACAGCAATGATGAGAGTGACAGCCAGAGCAAGTCTGGTAACGGTAACAACAATGG[AAGTGAC>A]AGTGACAGTGACAGTGAAGGCAGTGACAGTAACCACTCAACCAGTGATGATTAGAACAAA-3'